The following is an entry in ClinVar:

ClinVar aggregate classification (germline): Uncertain significance (1 of 4 stars; one submission).

Conditions:
Inborn genetic diseases. Identifiers: MedGen C0950123, MeSH D030342.

gnomAD v4.1: 2 of 1,613,616 alleles (0.00012%); highest among the groups gnomAD compares: Non-Finnish European, 0.00017%; no homozygotes.

Submission:

Ambry Genetics
Classification: Uncertain significance for Inborn genetic diseases. Last evaluated: 2024-05-24. Review status: criteria provided, single submitter. Criteria: Ambry Variant Classification Scheme 2023. Collection method: clinical testing. Allele origin: germline.
Comment: The p.M751I variant (also known as c.2253G>A), located in coding exon 14 of the EPAS1 gene, results from a G to A substitution at nucleotide position 2253. The methionine at codon 751 is replaced by isoleucine, an amino acid with highly similar properties. This amino acid position is conserved. In addition, this alteration is predicted to be tolerated by in silico analysis. Based on the available evidence, the clinical significance of this variant remains unclear.

NM_001430.5(EPAS1):c.2253G>A (p.Met751Ile)

Gene: EPAS1 (endothelial PAS domain protein 1; plus strand). Cytogenetic location: 2p21.
Variant type: single nucleotide variant.
Coding change: c.2253G>A on transcript NM_001430.5 (MANE Select); coding-DNA position 2253, G replaced by A.
Protein change: p.Met751Ile; replaces methionine 751 with isoleucine.
Molecular consequence: missense variant.
Genome position (GRCh38, 1-based): chr2:46,382,055, G>A. VCF-style: chr2-46382055-G-A. GRCh37 (hg19) VCF-style: chr2-46609194-G-A.
Other names: short protein forms M751I.
Identifiers: ClinVar variation 3275727 (VCV003275727.1).